The following is an entry in ClinVar:

ClinVar aggregate classification (germline): Conflicting classifications of pathogenicity. Review status: criteria provided, conflicting classifications (1 of 4 stars). 2 submissions from 2 submitters: Uncertain significance (1); Likely benign (1). Last evaluated 2023-09-19.

Conditions:
Tuberous sclerosis 2 (TSC2). Identifiers: Orphanet 805, MedGen C1860707, MONDO:0013199, OMIM 613254.

gnomAD v4.1: 1 of 1,612,374 alleles (0.000062%); highest among the groups gnomAD compares: Admixed American, 0.0017%; no homozygotes.

Submissions (2):

Labcorp Genetics (formerly Invitae), Labcorp
Classification: Uncertain significance for Tuberous sclerosis 2. Last evaluated: 2023-09-19. Review status: criteria provided, single submitter. Criteria: Invitae Variant Classification Sherloc (09022015). Collection method: clinical testing. Allele origin: germline.
Comment: ClinVar contains an entry for this variant (Variation ID: 380381). In summary, the available evidence is currently insufficient to determine the role of this variant in disease. Therefore, it has been classified as a Variant of Uncertain Significance. Advanced modeling of protein sequence and biophysical properties (such as structural, functional, and spatial information, amino acid conservation, physicochemical variation, residue mobility, and thermodynamic stability) performed at Invitae indicates that this missense variant is not expected to disrupt TSC2 protein function. This variant has not been reported in the literature in individuals affected with TSC2-related conditions. This variant is not present in population databases (gnomAD no frequency). This sequence change replaces proline, which is neutral and non-polar, with serine, which is neutral and polar, at codon 1389 of the TSC2 protein (p.Pro1389Ser).

GeneDx
Classification: Likely benign. Last evaluated: 2015-12-08. Review status: criteria provided, single submitter. Criteria: GeneDx Variant Classification (06012015). Collection method: clinical testing. Allele origin: germline. Affected: yes.
Comment: This variant is considered likely benign or benign based on one or more of the following criteria: it is a conservative change, it occurs at a poorly conserved position in the protein, it is predicted to be benign by multiple in silico algorithms, and/or has population frequency not consistent with disease.

NM_000548.5(TSC2):c.4165C>T (p.Pro1389Ser)

Gene: TSC2 (TSC complex subunit 2; plus strand). Cytogenetic location: 16p13.3.
Variant type: single nucleotide variant.
Coding change: c.4165C>T on transcript NM_000548.5 (MANE Select); coding-DNA position 4165, C replaced by T.
Protein change: p.Pro1389Ser; replaces proline 1389 with serine.
Molecular consequence: missense variant.
Genome position (GRCh38, 1-based): chr16:2,084,387, C>T. VCF-style: chr16-2084387-C-T. GRCh37 (hg19) VCF-style: chr16-2134388-C-T.
Other names: c.3964C>T, p.Pro1322Ser (NM_001077183.3); c.4096C>T, p.Pro1366Ser (NM_001114382.3); c.3856C>T, p.Pro1286Ser (NM_001318827.2); c.3820C>T, p.Pro1274Ser (NM_001318829.2); c.3433C>T, p.Pro1145Ser (NM_001318831.2); c.3997C>T, p.Pro1333Ser (NM_001318832.2); c.3967C>T, p.Pro1323Ser (NM_001363528.2); c.4033C>T, p.Pro1345Ser (NM_001370404.1); and 1 more; short protein forms P1389S, P1145S, P1274S, P1322S, P1323S, P1286S, P1333S, P1345S.
Identifiers: ClinVar variation 380381 (VCV000380381.4), dbSNP rs1057520843, ClinGen allele CA16607165.